The following is an entry in ClinVar:

NM_001846.4(COL4A2):c.4265A>G (p.Gln1422Arg)

Genes: COL4A2 (collagen type IV alpha 2 chain; plus strand), COL4A2-AS1 (COL4A2 antisense RNA 1; minus strand). Cytogenetic location: 13q34.
Variant type: single nucleotide variant.
Coding change: c.4265A>G on transcript NM_001846.4 (MANE Select); coding-DNA position 4265, A replaced by G.
Protein change: p.Gln1422Arg; replaces glutamine 1422 with arginine.
Molecular consequence: missense variant.
Genome position (GRCh38, 1-based): chr13:110,503,973, A>G. VCF-style: chr13-110503973-A-G. GRCh37 (hg19) VCF-style: chr13-111156320-A-G.
Other names: short protein forms Q1422R.
Identifiers: ClinVar variation 4088229 (VCV004088229.1).

ClinVar aggregate classification (germline): Uncertain significance (1 of 4 stars; one submission).

Submission:

GeneDx
Classification: Uncertain significance. Last evaluated: 2025-03-24. Review status: criteria provided, single submitter. Criteria: GeneDx Variant Classification Process June 2021. Collection method: clinical testing. Allele origin: germline. Affected: yes.
Comment: Not observed at significant frequency in large population cohorts (gnomAD); In silico analysis indicates that this missense variant does not alter protein structure/function; Has not been previously published as pathogenic or benign to our knowledge